The following is an entry in ClinVar:

NM_021977.4(SLC22A3):c.430-10863C>T

Gene: SLC22A3 (solute carrier family 22 member 3; plus strand). Cytogenetic location: 6q25.3.
Variant type: single nucleotide variant.
Coding change: c.430-10863C>T on transcript NM_021977.4 (MANE Select); 10863 bases into the intron before coding-DNA position 430, C replaced by T.
Molecular consequence: intron variant.
Genome position (GRCh38, 1-based): chr6:160,387,116, C>T. VCF-style: chr6-160387116-C-T. GRCh37 (hg19) VCF-style: chr6-160808148-C-T.
Identifiers: ClinVar variation 1285845 (VCV001285845.1), dbSNP rs420038, ClinGen allele CA12255681.

ClinVar aggregate classification (germline): Benign (1 of 4 stars; one submission).

Allele frequency attached by ClinVar (database versions not stated): TOPMed 0.23928; gnomAD 0.24274 and 0.24960; 1000 Genomes Project 30x 0.28154; 1000 Genomes Project 0.28175.
gnomAD v4.1: 37,969 of 152,148 alleles (25%); highest among the groups gnomAD compares: South Asian, 37%; 5,086 homozygotes.

Submission:

GeneDx
Classification: Benign. Last evaluated: 2020-04-30. Review status: criteria provided, single submitter. Criteria: GeneDx Variant Classification Process June 2021. Collection method: clinical testing. Allele origin: germline. Affected: yes.
Comment: This variant is associated with the following publications: (PMID: 30561001)